The following is an entry in ClinVar:

NM_020433.5(JPH2):c.1829G>A (p.Arg610Gln)

Gene: JPH2 (junctophilin 2; minus strand). Cytogenetic location: 20q13.12.
Variant type: single nucleotide variant.
Coding change: c.1829G>A on transcript NM_020433.5 (MANE Select); coding-DNA position 1829, G replaced by A.
Protein change: p.Arg610Gln; replaces arginine 610 with glutamine.
Molecular consequence: missense variant.
Genome position (GRCh38, 1-based): chr20:44,115,846, C>T on the plus strand (G>A on the coding strand, the complement: JPH2 is on the minus strand). VCF-style: chr20-44115846-C-T. GRCh37 (hg19) VCF-style: chr20-42744486-C-T.
Other names: short protein forms R610Q.
Identifiers: ClinVar variation 4749939 (VCV004749939.1).

ClinVar aggregate classification (germline): Uncertain significance (1 of 4 stars; one submission).

Conditions:
Hypertrophic cardiomyopathy. Also called: HYPERTROPHIC MYOCARDIOPATHY. Identifiers: Orphanet 217569, MedGen C0007194, MeSH D002312, MONDO:0005045, HP:0001639.

gnomAD v4.1: 3 of 1,594,258 alleles (0.00019%); highest among the groups gnomAD compares: Admixed American, 0.0017%; no homozygotes.

Submission:

Labcorp Genetics (formerly Invitae), Labcorp
Classification: Uncertain significance for Hypertrophic cardiomyopathy. Last evaluated: 2025-04-23. Review status: criteria provided, single submitter. Criteria: Invitae Variant Classification Sherloc (09022015). Collection method: clinical testing. Allele origin: germline.
Comment: This sequence change replaces arginine, which is basic and polar, with glutamine, which is neutral and polar, at codon 610 of the JPH2 protein (p.Arg610Gln). This variant is present in population databases (no rsID available, gnomAD 0.003%). This variant has not been reported in the literature in individuals affected with JPH2-related conditions. An algorithm developed to predict the effect of missense changes on protein structure and function (PolyPhen-2) suggests that this variant is likely to be tolerated. In summary, the available evidence is currently insufficient to determine the role of this variant in disease. Therefore, it has been classified as a Variant of Uncertain Significance.